The following is an entry in ClinVar:

NM_024675.4(PALB2):c.1777C>G (p.His593Asp)

Gene: PALB2 (partner and localizer of BRCA2; minus strand). Cytogenetic location: 16p12.2.
Variant type: single nucleotide variant.
Coding change: c.1777C>G on transcript NM_024675.4 (MANE Select); coding-DNA position 1777, C replaced by G.
Protein change: p.His593Asp; replaces histidine 593 with aspartic acid.
Molecular consequence: missense variant. On other transcripts: intron variant (1), 5 prime UTR variant (2).
Genome position (GRCh38, 1-based): chr16:23,630,377, G>C on the plus strand (C>G on the coding strand, the complement: PALB2 is on the minus strand). VCF-style: chr16-23630377-G-C. GRCh37 (hg19) VCF-style: chr16-23641698-G-C.
Other names: c.49-1102C>G (NM_001407314.1); c.1717C>G, p.His573Asp (NM_001407296.1); c.1777C>G, p.His593Asp (NM_001407297.1, NM_001407298.1, NM_001407299.1 and 3 more transcripts); c.892C>G, p.His298Asp (NM_001407304.1, NM_001407305.1, NM_001407306.1 and 5 more transcripts); c.-12C>G (NM_001407312.1, NM_001407313.1); short protein forms H298D, H573D, H593D.
Identifiers: ClinVar variation 4664224 (VCV004664224.1).

ClinVar aggregate classification (germline): Uncertain significance (1 of 4 stars; one submission).

Conditions:
Hereditary cancer-predisposing syndrome. Also called: Neoplastic Syndromes, Hereditary; Tumor predisposition; Hereditary Cancer Syndrome; Hereditary neoplastic syndrome. Identifiers: Orphanet 140162, MedGen C0027672, MeSH D009386, MONDO:0015356.

gnomAD v4.1: 1 of 1,614,082 alleles (0.000062%); highest among the groups gnomAD compares: South Asian, 0.0011%; no homozygotes.

Submission:

Ambry Genetics
Classification: Uncertain significance for Hereditary cancer-predisposing syndrome. Last evaluated: 2025-11-30. Review status: criteria provided, single submitter. Criteria: Ambry Variant Classification Scheme 2023. Collection method: clinical testing. Allele origin: germline.
Comment: The p.H593D variant (also known as c.1777C>G), located in coding exon 5 of the PALB2 gene, results from a C to G substitution at nucleotide position 1777. The histidine at codon 593 is replaced by aspartic acid, an amino acid with similar properties. This amino acid position is conserved. In addition, this alteration is predicted to be tolerated by in silico analysis. Based on the available evidence, the clinical significance of this variant remains unclear.